The following is an entry in ClinVar:

ClinVar aggregate classification (germline): Uncertain significance (1 of 4 stars; one submission).

Submission:

Ambry Genetics
Classification: Uncertain significance. Last evaluated: 2025-02-20. Review status: criteria provided, single submitter. Criteria: Ambry Variant Classification Scheme 2023. Collection method: clinical testing. Allele origin: germline.
Comment: The p.R1173M variant (also known as c.3518G>T), located in coding exon 14 of the WNK2 gene, results from a G to T substitution at nucleotide position 3518. The arginine at codon 1173 is replaced by methionine, an amino acid with similar properties. This amino acid position is conserved. In addition, this alteration is predicted to be tolerated by in silico analysis. Based on the available evidence, the clinical significance of this variant remains unclear.

NM_006648.4(WNK2):c.3518G>T (p.Arg1173Met)

Gene: WNK2 (WNK lysine deficient protein kinase 2; plus strand). Cytogenetic location: 9q22.31.
Variant type: single nucleotide variant.
Coding change: c.3518G>T on transcript NM_006648.4 (MANE Select); coding-DNA position 3518, G replaced by T.
Protein change: p.Arg1173Met; replaces arginine 1173 with methionine.
Molecular consequence: missense variant.
Genome position (GRCh38, 1-based): chr9:93,263,673, G>T. VCF-style: chr9-93263673-G-T. GRCh37 (hg19) VCF-style: chr9-96025955-G-T.
Other names: c.3518G>T, p.Arg1173Met (NM_001282394.3); short protein forms R1173M.
Identifiers: ClinVar variation 3817112 (VCV003817112.1).
Genomic context (GRCh38, chr9:93,263,673, plus strand): 5'-GTGAAGGCGCCTTTGGAGGGGGCAGGCTGGAGGGCAGGGCAGCCCGAAAACACCACCGCA[G>T]GTCCACGCGTGCGCGCTCCCGGCAGGAGAGGGCCAGCCGGCCCCGGCTTACCATCTTGAA-3'
Protein context (NP_006639.3, residues 1163-1183): EGRAARKHHR[Arg1173Met]STRARSRQER